The following is an entry in ClinVar:

NM_000363.5(TNNI3):c.344A>C (p.Glu115Ala)

Gene: TNNI3 (troponin I3, cardiac type; minus strand). Cytogenetic location: 19q13.42.
Variant type: single nucleotide variant.
Coding change: c.344A>C on transcript NM_000363.5 (MANE Select); coding-DNA position 344, A replaced by C.
Protein change: p.Glu115Ala; replaces glutamic acid 115 with alanine.
Molecular consequence: missense variant.
Genome position (GRCh38, 1-based): chr19:55,154,769, T>G on the plus strand (A>C on the coding strand, the complement: TNNI3 is on the minus strand). VCF-style: chr19-55154769-T-G. GRCh37 (hg19) VCF-style: chr19-55666137-T-G.
Other names: short protein forms E115A.
Identifiers: ClinVar variation 2873913 (VCV002873913.4), dbSNP rs2515499505, ClinGen allele CA407440997.

ClinVar aggregate classification (germline): Uncertain significance. Review status: criteria provided, multiple submitters, no conflicts (2 of 4 stars). 2 submissions from 2 submitters: Uncertain significance (2). Last evaluated 2025-05-27.

Conditions:
Hypertrophic cardiomyopathy. Also called: HYPERTROPHIC MYOCARDIOPATHY. Identifiers: Orphanet 217569, MedGen C0007194, MeSH D002312, MONDO:0005045, HP:0001639.

Submissions (2):

Labcorp Genetics (formerly Invitae), Labcorp
Classification: Uncertain significance for Hypertrophic cardiomyopathy. Last evaluated: 2025-05-27. Review status: criteria provided, single submitter. Criteria: Invitae Variant Classification Sherloc (09022015). Collection method: clinical testing. Allele origin: germline.
Comment: This sequence change replaces glutamic acid, which is acidic and polar, with alanine, which is neutral and non-polar, at codon 115 of the TNNI3 protein (p.Glu115Ala). This variant is not present in population databases (gnomAD no frequency). This variant has not been reported in the literature in individuals affected with TNNI3-related conditions. ClinVar contains an entry for this variant (Variation ID: 2873913). An algorithm developed to predict the effect of missense changes on protein structure and function (PolyPhen-2) suggests that this variant is likely to be tolerated. In summary, the available evidence is currently insufficient to determine the role of this variant in disease. Therefore, it has been classified as a Variant of Uncertain Significance.

All of Us Research Program, National Institutes of Health
Classification: Uncertain significance for Hypertrophic cardiomyopathy. Last evaluated: 2023-08-15. Review status: criteria provided, single submitter. Criteria: ACMG Guidelines, 2015. Collection method: clinical testing. Allele origin: germline. Inheritance: Autosomal dominant inheritance. Observed: 1 variant allele, 1 heterozygote.
Comment: This missense variant replaces glutamic acid with alanine at codon 115 of the TNNI3 protein. Computational prediction suggests that this variant may have deleterious impact on protein structure and function (internally defined REVEL score threshold >= 0.7, PMID: 27666373). To our knowledge, functional studies have not been reported for this variant. This variant has not been reported in individuals affected with TNNI3-related disorders in the literature. This variant has not been identified in the general population by the Genome Aggregation Database (gnomAD). The available evidence is insufficient to determine the role of this variant in disease conclusively. Therefore, this variant is classified as a Variant of Uncertain Significance.

This study involves interpretation of variants in research participants for the purpose of population health screening. Participant phenotype was not available at the time of variant classification. Additional details can be found in publication PMID: 35346344, PMCID: PMC8962531